The following is an entry in ClinVar:

ClinVar aggregate classification (germline): Uncertain significance (1 of 4 stars; one submission).

gnomAD v4.1: 147 of 1,612,686 alleles (0.0091%); highest among the groups gnomAD compares: South Asian, 0.018%; no homozygotes.

Submission:

Labcorp Genetics (formerly Invitae), Labcorp
Classification: Uncertain significance. Last evaluated: 2023-11-13. Review status: criteria provided, single submitter. Criteria: Invitae Variant Classification Sherloc (09022015). Collection method: clinical testing. Allele origin: germline.
Comment: This sequence change replaces threonine, which is neutral and polar, with isoleucine, which is neutral and non-polar, at codon 759 of the AASS protein (p.Thr759Ile). This variant is present in population databases (rs150922740, gnomAD 0.03%). This variant has not been reported in the literature in individuals affected with AASS-related conditions. Advanced modeling of protein sequence and biophysical properties (such as structural, functional, and spatial information, amino acid conservation, physicochemical variation, residue mobility, and thermodynamic stability) has been performed at Invitae for this missense variant, however the output from this modeling did not meet the statistical confidence thresholds required to predict the impact of this variant on AASS protein function. In summary, the available evidence is currently insufficient to determine the role of this variant in disease. Therefore, it has been classified as a Variant of Uncertain Significance.

NM_005763.4(AASS):c.2276C>T (p.Thr759Ile)

Gene: AASS (aminoadipate-semialdehyde synthase; minus strand). Cytogenetic location: 7q31.32.
Variant type: single nucleotide variant.
Coding change: c.2276C>T on transcript NM_005763.4 (MANE Select); coding-DNA position 2276, C replaced by T.
Protein change: p.Thr759Ile; replaces threonine 759 with isoleucine.
Molecular consequence: missense variant.
Genome position (GRCh38, 1-based): chr7:122,081,504, G>A on the plus strand (C>T on the coding strand, the complement: AASS is on the minus strand). VCF-style: chr7-122081504-G-A. GRCh37 (hg19) VCF-style: chr7-121721558-G-A.
Other names: short protein forms T759I.
Identifiers: ClinVar variation 2882479 (VCV002882479.1), dbSNP rs150922740, ClinGen allele CA4458087.